The following is an entry in ClinVar:

NM_000057.4(BLM):c.3668C>A (p.Thr1223Lys)

Gene: BLM (BLM RecQ like helicase; plus strand). Cytogenetic location: 15q26.1.
Variant type: single nucleotide variant.
Coding change: c.3668C>A on transcript NM_000057.4 (MANE Select); coding-DNA position 3668, C replaced by A.
Protein change: p.Thr1223Lys; replaces threonine 1223 with lysine.
Molecular consequence: missense variant. On other transcripts: intron variant (1).
Genome position (GRCh38, 1-based): chr15:90,804,276, C>A. VCF-style: chr15-90804276-C-A. GRCh37 (hg19) VCF-style: chr15-91347506-C-A.
Other names: c.3668C>A, p.Thr1223Lys (NM_001287246.2); c.2543C>A, p.Thr848Lys (NM_001287248.2); c.3359-4861C>A (NM_001287247.2); short protein forms T1223K, T848K.
Identifiers: ClinVar variation 824043 (VCV000824043.5), dbSNP rs772506214, ClinGen allele CA393848125.

ClinVar aggregate classification (germline): Uncertain significance. Review status: criteria provided, single submitter (1 of 4 stars). 2 submissions from 2 submitters: Uncertain significance (1). 1 of the submissions does not count toward it. Last evaluated 2018-03-22.

Conditions:
Bloom syndrome (BLM). Also called: Bloom-Torre-Machacek syndrome. Identifiers: Orphanet 125, MedGen C0005859, MONDO:0008876, OMIM 210900.
Hereditary cancer-predisposing syndrome. Also called: Neoplastic Syndromes, Hereditary; Tumor predisposition; Hereditary neoplastic syndrome; Hereditary Cancer Syndrome. Identifiers: Orphanet 140162, MedGen C0027672, MeSH D009386, MONDO:0015356.

Submissions (2):

Ambry Genetics
Classification: Uncertain significance for Hereditary cancer-predisposing syndrome. Last evaluated: 2018-03-22. Review status: criteria provided, single submitter. Criteria: Ambry Variant Classification Scheme 2023. Collection method: clinical testing. Allele origin: germline.
Comment: The p.T1223K variant (also known as c.3668C>A), located in coding exon 18 of the BLM gene, results from a C to A substitution at nucleotide position 3668. The threonine at codon 1223 is replaced by lysine, an amino acid with similar properties. This amino acid position is well conserved in available vertebrate species. In addition, this alteration is predicted to be tolerated by in silico analysis. Since supporting evidence is limited at this time, the clinical significance of this alteration remains unclear.

Natera, Inc.
Classification: Uncertain significance for Bloom syndrome. Last evaluated: 2020-07-08. Review status: no assertion criteria provided. Collection method: clinical testing. Allele origin: germline. Not counted in ClinVar's aggregate classification.